The following is an entry in ClinVar:

ClinVar aggregate classification (germline): Uncertain significance (1 of 4 stars; one submission).

gnomAD v4.1: 9 of 1,614,178 alleles (0.00056%); highest among the groups gnomAD compares: East Asian, 0.0022%; no homozygotes.

Submission:

Labcorp Genetics (formerly Invitae), Labcorp
Classification: Uncertain significance. Last evaluated: 2025-09-27. Review status: criteria provided, single submitter. Criteria: Invitae Variant Classification Sherloc (09022015). Collection method: clinical testing. Allele origin: germline.
Comment: This sequence change replaces alanine, which is neutral and non-polar, with threonine, which is neutral and polar, at codon 3767 of the TRRAP protein (p.Ala3767Thr). This variant is present in population databases (rs749974582, gnomAD 0.003%). This variant has not been reported in the literature in individuals affected with TRRAP-related conditions. An algorithm developed to predict the effect of missense changes on protein structure and function (PolyPhen-2) suggests that this variant is likely to be tolerated. In summary, the available evidence is currently insufficient to determine the role of this variant in disease. Therefore, it has been classified as a Variant of Uncertain Significance.

NM_001375524.1(TRRAP):c.11428G>A (p.Ala3810Thr)

Gene: TRRAP (transformation/transcription domain associated protein; plus strand). Cytogenetic location: 7q22.1.
Variant type: single nucleotide variant.
Coding change: c.11428G>A on transcript NM_001375524.1 (MANE Select); coding-DNA position 11428, G replaced by A.
Protein change: p.Ala3810Thr; replaces alanine 3810 with threonine.
Molecular consequence: missense variant.
Genome position (GRCh38, 1-based): chr7:99,012,161, G>A. VCF-style: chr7-99012161-G-A. GRCh37 (hg19) VCF-style: chr7-98609784-G-A.
Other names: c.11386G>A, p.Ala3796Thr (NM_001244580.2); c.11299G>A, p.Ala3767Thr (NM_003496.4); short protein forms A3767T, A3810T, A3796T.
Identifiers: ClinVar variation 4691729 (VCV004691729.1).